The following is an entry in ClinVar:

NM_000548.5(TSC2):c.4573C>T (p.Gln1525Ter)

Gene: TSC2 (TSC complex subunit 2; plus strand). Cytogenetic location: 16p13.3.
Variant type: single nucleotide variant.
Coding change: c.4573C>T on transcript NM_000548.5 (MANE Select); coding-DNA position 4573, C replaced by T.
Protein change: p.Gln1525Ter; replaces glutamine 1525 with a stop codon.
Molecular consequence: nonsense.
Genome position (GRCh38, 1-based): chr16:2,085,233, C>T. VCF-style: chr16-2085233-C-T. GRCh37 (hg19) VCF-style: chr16-2135234-C-T.
Other names: p.Q1525*:CAG>TAG; c.4372C>T, p.Gln1458Ter (NM_001077183.3); c.4504C>T, p.Gln1502Ter (NM_001114382.3); c.4264C>T, p.Gln1422Ter (NM_001318827.2); c.4228C>T, p.Gln1410Ter (NM_001318829.2); c.3841C>T, p.Gln1281Ter (NM_001318831.2); c.4405C>T, p.Gln1469Ter (NM_001318832.2); c.4375C>T, p.Gln1459Ter (NM_001363528.2); and 2 more; short protein forms Q1525*, Q1458*, Q1410*, Q1469*, Q1482*, Q1459*, Q1281*, Q1422*.
Identifiers: ClinVar variation 49306 (VCV000049306.15), dbSNP rs45517352, ClinGen allele CA020707.

ClinVar aggregate classification (germline): Pathogenic. Review status: criteria provided, multiple submitters, no conflicts (2 of 4 stars). 6 submissions from 6 submitters: Pathogenic (4). 2 of the submissions do not count toward it. Last evaluated 2025-10-19.

Conditions:
Tuberous sclerosis 2 (TSC2). Identifiers: Orphanet 805, MedGen C1860707, MONDO:0013199, OMIM 613254.
Isolated focal cortical dysplasia type II (FCORD2). Also called: CORTICAL DYSPLASIA OF TAYLOR; Focal cortical dysplasia type II. Identifiers: Orphanet 268994, MedGen C1846385, MONDO:0011818, OMIM 607341, HP:0032051.
Tuberous sclerosis syndrome (TSC). Also called: Tuberous Sclerosis Complex; Tuberous sclerosis. Identifiers: Orphanet 805, MedGen C0041341, MONDO:0001734.

Submissions (6):

Clinical Genomics Laboratory, Washington University in St. Louis
Classification: Pathogenic for Tuberous sclerosis 2; Isolated focal cortical dysplasia type II. Last evaluated: 2025-10-19. Review status: criteria provided, single submitter. Criteria: Leon-Quintero et al. (Clin Genet. 2025). Collection method: clinical testing. Allele origin: somatic. Affected: yes.
Comment: A TSC2 c.4573C>T (p.Gln1525*) variant was identified at an allelic fraction consistent with somatic origin. This variant has been reported in several individuals affected with tuberous sclerosis (Langkau N et al., PMID: 12111193; Julian LM et al., PMID: 28830860; Reyna-Fabian ME et al., PMID: 32313033; Bongaarts A et al., PMID: 29221145; Rosset C et al., PMID: 28968464). This variant has been reported in the ClinVar database as a germline pathogenic variant in tuberous sclerosis by four submitters (Variation ID: 49306). It is absent from the general population (gnomAD v4.1.0), indicating it is not a common variant. This nonsense variant leads to a premature termination codon, which is predicted to lead to nonsense mediated decay. Based on available information and an internally developed protocol informed by the ACMG/AMP guidelines for variant interpretation and gene-specific practices from the ClinGen Criteria Specification Registry (Leon-Quintero FZ et al., PMID: 39434542), the TSC2 c.4573C>T (p.Gln1525*) variant is classified as pathogenic.

GeneDx
Classification: Pathogenic. Last evaluated: 2024-12-17. Review status: criteria provided, single submitter. Criteria: GeneDx Variant Classification Process June 2021. Collection method: clinical testing. Allele origin: germline. Affected: yes.
Comment: Nonsense variant predicted to result in protein truncation or nonsense mediated decay in a gene for which loss of function is a known mechanism of disease; Not observed at significant frequency in large population cohorts (gnomAD); This variant is associated with the following publications: (PMID: 25525159, 32917966, 35918040, 15798777, 12111193, 29655203, 36232477, 29101226)

Labcorp Genetics (formerly Invitae), Labcorp
Classification: Pathogenic for Tuberous sclerosis 2. Last evaluated: 2023-07-17. Review status: criteria provided, single submitter. Criteria: Invitae Variant Classification Sherloc (09022015). Collection method: clinical testing. Allele origin: germline.
Comment: For these reasons, this variant has been classified as Pathogenic. This sequence change creates a premature translational stop signal (p.Gln1525*) in the TSC2 gene. It is expected to result in an absent or disrupted protein product. Loss-of-function variants in TSC2 are known to be pathogenic (PMID: 10205261, 17304050). This variant is not present in population databases (gnomAD no frequency). This premature translational stop signal has been observed in individual(s) with tuberous sclerosis (PMID: 12111193). ClinVar contains an entry for this variant (Variation ID: 49306).

Genome-Nilou Lab
Classification: Pathogenic for Tuberous sclerosis 2. Last evaluated: 2021-11-07. Review status: criteria provided, single submitter. Criteria: ACMG Guidelines, 2015. Collection method: clinical testing. Allele origin: germline. Affected: no.

Division of Genomic Medicine, Department of Advanced Medicine, Medical Research Institute, Kanazawa Medical University
Classification: Pathogenic for Tuberous sclerosis 2. Last evaluated: 2020-06-11. Review status: no assertion criteria provided. Collection method: clinical testing. Allele origin: germline. Affected: yes. Observed: 1 variant allele. Not counted in ClinVar's aggregate classification.

Tuberous sclerosis database (TSC2)
No classification provided. Condition: TSC. Review status: no classification provided. Criteria: Tuberous Sclerosis Database Assertion Criteria 2015. Collection method: curation. Allele origin: germline. Affected: yes. Not counted in ClinVar's aggregate classification.

Literature cited by the submitters: PubMed 10205261 (cited by Labcorp Genetics (formerly Invitae), Labcorp); PubMed 17304050 (cited by Labcorp Genetics (formerly Invitae), Labcorp); PubMed 12111193 (cited by Labcorp Genetics (formerly Invitae), Labcorp).